The following is an entry in ClinVar:

ClinVar aggregate classification (germline): Uncertain significance (1 of 4 stars; one submission).

Allele frequency attached by ClinVar (database versions not stated): gnomAD exomes below 0.00001.

Submission:

Labcorp Genetics (formerly Invitae), Labcorp
Classification: Uncertain significance. Last evaluated: 2025-08-20. Review status: criteria provided, single submitter. Criteria: Invitae Variant Classification Sherloc (09022015). Collection method: clinical testing. Allele origin: germline.
Comment: This sequence change replaces serine, which is neutral and polar, with glycine, which is neutral and non-polar, at codon 44 of the ALPK3 protein (p.Ser44Gly). This variant is not present in population databases (gnomAD no frequency). This variant has not been reported in the literature in individuals affected with ALPK3-related conditions. ClinVar contains an entry for this variant (Variation ID: 3013023). An algorithm developed to predict the effect of missense changes on protein structure and function outputs the following: PolyPhen-2: "Benign". The glycine amino acid residue is found in multiple mammalian species, which suggests that this missense change does not adversely affect protein function. In summary, the available evidence is currently insufficient to determine the role of this variant in disease. Therefore, it has been classified as a Variant of Uncertain Significance.

NC_000015.10:g.84816976A>G

Gene: ALPK3 (alpha kinase 3; plus strand). Cytogenetic location: 15q25.3.
Variant type: single nucleotide variant.
Genome position: GRCh38 VCF-style: chr15-84816976-A-G. GRCh37 (hg19) VCF-style: chr15-85360207-A-G.
Identifiers: ClinVar variation 3013023 (VCV003013023.3), dbSNP rs2505688052, ClinGen allele CA393368233.
Genomic context (GRCh38, chr15:84,816,976, plus strand): 5'-CGGCTGGTGCCAGGAAGAGGGCTGGTTCTTTGGCTCCCTGGTCTCCCGCGGTCTAGCCCA[A>G]GCTGGCCAGCGGTTGACCTGGCTCCCCTGGCCCCGGCCAGGCCTCGTGGACCCCTCATAT-3'